The following is an entry in ClinVar:

NM_000303.3(PMM2):c.566_571delinsGTGGATTTCC (p.Lys189fs)

Gene: PMM2 (phosphomannomutase 2; plus strand). Cytogenetic location: 16p13.2.
Variant type: Indel.
Coding change: c.566_571delinsGTGGATTTCC on transcript NM_000303.3 (MANE Select); coding-DNA positions 566 to 571, AGAGAT replaced by GTGGATTTCC.
Protein change: p.Lys189fs; shifts the reading frame from lysine 189.
Molecular consequence: frameshift variant.
Genome position (GRCh38, 1-based): chr16:8,813,033-8,813,038, AGAGAT replaced by GTGGATTTCC. VCF-style: chr16-8813033-AGAGAT-GTGGATTTCC. GRCh37 (hg19) VCF-style: chr16-8906890-AGAGAT-GTGGATTTCC.
Other names: short protein forms K189fs.
Identifiers: ClinVar variation 984505 (VCV000984505.7), dbSNP rs2060686245, ClinGen allele CA1139664499.

ClinVar aggregate classification (germline): Pathogenic/Likely pathogenic. Review status: criteria provided, multiple submitters, no conflicts (2 of 4 stars). 4 submissions from 4 submitters: Pathogenic (1); Likely pathogenic (3). Last evaluated 2026-10-20.

Conditions:
PMM2-congenital disorder of glycosylation. Also called: JAEKEN SYNDROME; PHOSPHOMANNOMUTASE 2 DEFICIENCY; CARBOHYDRATE-DEFICIENT GLYCOPROTEIN SYNDROME, TYPE Ia; PMM2-CDG; Congenital disorder of glycosylation, type Ia; CDG Ia. Identifiers: Orphanet 79318, MedGen C0349653, MONDO:0008907, OMIM 212065.

Submissions (4):

GeneDx
Classification: Likely pathogenic. Last evaluated: 2026-10-20. Review status: criteria provided, single submitter. Criteria: GeneDx Variant Classification Process June 2021. Collection method: clinical testing. Allele origin: germline.
Comment: Frameshift variant predicted to result in abnormal protein length as the last 58 amino acid(s) are replaced with 11 different amino acid(s), and other similar variants have been reported in HGMD; Not observed at significant frequency in large population cohorts (gnomAD); This variant is associated with the following publications: (PMID: 11891694)

Labcorp Genetics (formerly Invitae), Labcorp
Classification: Pathogenic for PMM2-congenital disorder of glycosylation. Last evaluated: 2023-09-21. Review status: criteria provided, single submitter. Criteria: Invitae Variant Classification Sherloc (09022015). Collection method: clinical testing. Allele origin: germline.
Comment: For these reasons, this variant has been classified as Pathogenic. This variant disrupts a region of the PMM2 protein in which other variant(s) (p.Leu243Pro) have been determined to be pathogenic (Invitae). This suggests that this is a clinically significant region of the protein, and that variants that disrupt it are likely to be disease-causing. This variant is also known as c.565-571delAGAGAT insGTGGATTTCC. This premature translational stop signal has been observed in individual(s) with congenital disorders of glycosylation (PMID: 11891694). Information on the frequency of this variant in the gnomAD database is not available, as this variant may be reported differently in the database. This sequence change creates a premature translational stop signal (p.Lys189Serfs*12) in the PMM2 gene. While this is not anticipated to result in nonsense mediated decay, it is expected to disrupt the last 58 amino acid(s) of the PMM2 protein.

Fulgent Genetics
Classification: Likely pathogenic for PMM2-congenital disorder of glycosylation. Last evaluated: 2021-12-30. Review status: criteria provided, single submitter. Criteria: ACMG Guidelines, 2015. Collection method: clinical testing. Allele origin: unknown.

Women's Health and Genetics/Laboratory Corporation of America, LabCorp
Classification: Likely pathogenic for Congenital disorder of glycosylation, type Ia. Last evaluated: 2020-10-05. Review status: criteria provided, single submitter. Criteria: LabCorp Variant Classification Summary - May 2015. Collection method: clinical testing. Allele origin: germline.
Comment: Variant summary: PMM2 c.566_571delins10 (c.566_571delinsGTGGATTTCC, p.Lys189SerfsX12) results in a premature termination codon, predicted to cause a truncation of the encoded protein or absence of the protein due to nonsense mediated decay, which are commonly known mechanisms for disease. Truncations downstream of this position have been classified as pathogenic by our laboratory. The variant was absent in 282876 control chromosomes. c.566_571delins10 has been reported in the literature in at least one individual affected with Congenital Disorder Of Glycosylation Type 1a (Tayebi_2002). To our knowledge, no experimental evidence demonstrating an impact on protein function has been reported. No clinical diagnostic laboratories have submitted clinical-significance assessments for this variant to ClinVar after 2014. Based on the evidence outlined above, the variant was classified as likely pathogenic.

Literature cited by the submitters: PubMed 11891694 (cited by Labcorp Genetics (formerly Invitae), Labcorp and Women's Health and Genetics/Laboratory Corporation of America, LabCorp).